The following is an entry in ClinVar:

NM_001111125.3(IQSEC2):c.2507C>T (p.Ala836Val)

Gene: IQSEC2 (IQ motif and Sec7 domain ArfGEF 2; minus strand). Cytogenetic location: Xp11.22.
Variant type: single nucleotide variant.
Coding change: c.2507C>T on transcript NM_001111125.3 (MANE Select); coding-DNA position 2507, C replaced by T.
Protein change: p.Ala836Val; replaces alanine 836 with valine.
Molecular consequence: missense variant.
Genome position (GRCh38, 1-based): chrX:53,248,189, G>A on the plus strand (C>T on the coding strand, the complement: IQSEC2 is on the minus strand). VCF-style: chrX-53248189-G-A. GRCh37 (hg19) VCF-style: chrX-53277371-G-A.
Other names: c.1892C>T, p.Ala631Val (NM_015075.2); short protein forms A836V, A631V.
Identifiers: ClinVar variation 377978 (VCV000377978.59), dbSNP rs782099475, ClinGen allele CA10419929.
Genomic context (GRCh38, chrX:53,248,189, plus strand): 5'-AGTCGCTCCACTTTCTGGGCCTCACCCTGAACCCGGATATGGGACTGGAACTTCCGGAGC[G>A]CATCATCCAGATCCATGGAGGAGAAGTCCATCTCATCCACCACACAGCTAAGGAGCAAAG-3'
Protein context (NP_001104595.1, residues 826-846): MDFSSMDLDD[Ala836Val]LRKFQSHIRV

ClinVar aggregate classification (germline): Pathogenic/Likely pathogenic. Review status: criteria provided, multiple submitters, no conflicts (2 of 4 stars). 5 submissions from 5 submitters: Pathogenic (3); Likely pathogenic (1). 1 of the submissions does not count toward it. Last evaluated 2025-03-19.

Conditions:
NEURODEVELOPMENTAL DISORDER, X-LINKED, WITH POOR OR ABSENT SPEECH AND BEHAVIORAL ABNORMALITIES (NEDXSB). Identifiers: MedGen CN381607, OMIM 301164.
Intellectual developmental disorder, X-linked 1. Also called: Intellectual disability, X-linked 1; MENTAL RETARDATION, X-LINKED 18; MENTAL RETARDATION, X-LINKED 78; Atkin Flaitz Patil Smith syndrome. Identifiers: Orphanet 777, MedGen C2931498, MONDO:0010656, OMIM 309530.

Allele frequency attached by ClinVar (database versions not stated): gnomAD exomes below 0.00001; ExAC 0.00001.
gnomAD v4.1: 1 of 1,209,055 alleles (0.000083%); no homozygotes.

Submissions (5):

Labcorp Genetics (formerly Invitae), Labcorp
Classification: Pathogenic for Intellectual developmental disorder, X-linked 1. Last evaluated: 2025-03-19. Review status: criteria provided, single submitter. Criteria: Invitae Variant Classification Sherloc (09022015). Collection method: clinical testing. Allele origin: germline.
Comment: This sequence change replaces alanine, which is neutral and non-polar, with valine, which is neutral and non-polar, at codon 836 of the IQSEC2 protein (p.Ala836Val). This variant is not present in population databases (gnomAD no frequency). This missense change has been observed in individual(s) with intellectual disability (PMID: 28815955, 30666632, 31415821; internal data). In at least one individual the variant was observed to be de novo. ClinVar contains an entry for this variant (Variation ID: 377978). Invitae Evidence Modeling of protein sequence and biophysical properties (such as structural, functional, and spatial information, amino acid conservation, physicochemical variation, residue mobility, and thermodynamic stability) indicates that this missense variant is expected to disrupt IQSEC2 protein function with a positive predictive value of 95%. For these reasons, this variant has been classified as Pathogenic.

GeneDx
Classification: Pathogenic. Last evaluated: 2024-12-24. Review status: criteria provided, single submitter. Criteria: GeneDx Variant Classification Process June 2021. Collection method: clinical testing. Allele origin: germline. Affected: yes.
Comment: Not observed at significant frequency in large population cohorts (gnomAD); In silico analysis supports that this missense variant has a deleterious effect on protein structure/function; This variant is associated with the following publications: (PMID: 28815955, 30666632, 31415821, 31618753, 32371413, 33504798, 33057194, 35982159, 20473311)

CeGaT Center for Human Genetics Tuebingen
Classification: Pathogenic. Last evaluated: 2019-05-01. Review status: criteria provided, single submitter. Criteria: CeGaT Center For Human Genetics Tuebingen Variant Classification Criteria Version 2. Collection method: clinical testing. Allele origin: germline. Affected: yes. Observed: 2 variant alleles.

Institute for Genomic Medicine (IGM) Clinical Laboratory, Nationwide Children's Hospital
Classification: Likely pathogenic for Intellectual developmental disorder, X-linked 1. Last evaluated: 2018-10-18. Review status: criteria provided, single submitter. Criteria: ACMG Guidelines, 2015. Collection method: clinical testing. Allele origin: germline. Affected: yes.
Comment: [ACMG/AMP: PS2, PM2, PS4_Moderate, PP3] This alteration is de novo in origin as it was not detected in the submitted parental specimens (identity confirmed) [PS2], is absent from or rarely observed in large-scale population databases [PM2], has previously been observed in multiple unrelated patients with the same phenotype [PS4_Moderate], is predicted to be damaging by multiple functional prediction tools [PP3].

OMIM
Classification: Pathogenic for NEURODEVELOPMENTAL DISORDER, X-LINKED, WITH ABSENT SPEECH AND BEHAVIORAL ABNORMALITIES. Last evaluated: 2026-04-15. Review status: no assertion criteria provided. Collection method: literature only. Allele origin: germline. Not counted in ClinVar's aggregate classification.

Literature cited by the submitters: PubMed 28815955 (cited by Labcorp Genetics (formerly Invitae), Labcorp and OMIM); PubMed 30666632 (cited by Labcorp Genetics (formerly Invitae), Labcorp and OMIM); PubMed 31415821 (cited by Labcorp Genetics (formerly Invitae), Labcorp and OMIM); Hamosh, A. Personal Communication. 2026. Baltimore, Md. (cited by OMIM).